The following is an entry in ClinVar:

NM_007294.4(BRCA1):c.5186T>C (p.Leu1729Pro)

Gene: BRCA1 (BRCA1 DNA repair associated; minus strand). Cytogenetic location: 17q21.31.
Variant type: single nucleotide variant.
Coding change: c.5186T>C on transcript NM_007294.4 (MANE Select); coding-DNA position 5186, T replaced by C.
Protein change: p.Leu1729Pro; replaces leucine 1729 with proline.
Molecular consequence: missense variant. On other transcripts: non-coding transcript variant (1).
Genome position (GRCh38, 1-based): chr17:43,063,340, A>G on the plus strand (T>C on the coding strand, the complement: BRCA1 is on the minus strand). VCF-style: chr17-43063340-A-G. GRCh37 (hg19) VCF-style: chr17-41215357-A-G.
Other names: c.4973T>C, p.Leu1658Pro (NM_001407571.1, NM_001407894.1, NM_001407895.1 and 12 more transcripts); c.5252T>C, p.Leu1751Pro (NM_001407581.1, NM_001407582.1); c.5249T>C, p.Leu1750Pro (NM_001407583.1, NM_001407585.1, NM_001407587.1 and 1 more transcripts); c.5246T>C, p.Leu1749Pro (NM_001407590.1, NM_001407591.1); c.5186T>C, p.Leu1729Pro (NM_001407593.1, NM_001407594.1, NM_001407596.1 and 7 more transcripts); c.5183T>C, p.Leu1728Pro (NM_001407617.1, NM_001407618.1, NM_001407619.1 and 17 more transcripts); c.5180T>C, p.Leu1727Pro (NM_001407636.1, NM_001407637.1, NM_001407638.1 and 14 more transcripts); c.5177T>C, p.Leu1726Pro (NM_001407644.1, NM_001407645.1); and 72 more; short protein forms L1729P, L625P, L1682P, L1750P, L1432P, L1600P, L1617P, L1661P.
Identifiers: ClinVar variation 825518 (VCV000825518.7), dbSNP rs730881496, ClinGen allele CA10591169.

ClinVar aggregate classification (germline): Uncertain significance (1 of 4 stars; one submission).

Conditions:
Hereditary cancer-predisposing syndrome. Also called: Hereditary Cancer Syndrome; Hereditary neoplastic syndrome; Neoplastic Syndromes, Hereditary; Tumor predisposition. Identifiers: Orphanet 140162, MedGen C0027672, MeSH D009386, MONDO:0015356.

Submissions (2):

Ambry Genetics
Classification: Uncertain significance for Hereditary cancer-predisposing syndrome. Last evaluated: 2019-11-12. Review status: criteria provided, single submitter. Criteria: Ambry Variant Classification Scheme 2023. Collection method: clinical testing. Allele origin: germline.
Comment: The p.L1729P variant (also known as c.5186T>C), located in coding exon 17 of the BRCA1 gene, results from a T to C substitution at nucleotide position 5186. The leucine at codon 1729 is replaced by proline, an amino acid with similar properties. This amino acid position is highly conserved in available vertebrate species. In addition, this alteration is predicted to be deleterious by in silico analysis. Since supporting evidence is limited at this time, the clinical significance of this alteration remains unclear.

Brotman Baty Institute, University of Washington
No classification provided (evidence only). Condition: Breast-ovarian cancer, familial 1. Review status: no classification provided. Collection method: in vitro. Allele origin: not applicable. Functional consequence: function_uncertain_variant. Not counted in ClinVar's aggregate classification.
ClinVar note: "not provided" was previously submitted as the classification for the variant. However, the classification appeared to be based only on an observation of functional data so it was converted to no classification on 2025-07-30.